The following is an entry in ClinVar:

ClinVar aggregate classification (germline): Pathogenic (1 of 4 stars; one submission).

Conditions:
Spastic paraplegia-severe developmental delay-epilepsy syndrome. Also called: Spastic paraplegia and psychomotor retardation with or without seizures. Identifiers: Orphanet 464282, MedGen C4225215, MONDO:0014764, OMIM 616756.

Allele frequency attached by ClinVar (database versions not stated): gnomAD exomes below 0.00001.
gnomAD v4.1: 1 of 1,613,256 alleles (0.000062%); highest among the groups gnomAD compares: Non-Finnish European, 0.000085%; no homozygotes.

Submission:

Women's Health and Genetics/Laboratory Corporation of America, LabCorp
Classification: Pathogenic for Spastic paraplegia-severe developmental delay-epilepsy syndrome. Last evaluated: 2024-02-29. Review status: criteria provided, single submitter. Criteria: LabCorp Variant Classification Summary - May 2015. Collection method: clinical testing. Allele origin: germline.
Comment: Variant summary: HACE1 c.859C>T (p.Gln287X) results in a premature termination codon, predicted to cause absence of the protein due to nonsense mediated decay, which is a commonly known mechanism for disease. The variant was absent in 251362 control chromosomes (gnomAD). To our knowledge, no occurrence of c.859C>T in individuals affected with Spastic Paraplegia-Severe Developmental Delay-Epilepsy Syndrome and no experimental evidence demonstrating its impact on protein function have been reported. No submitters have cited clinical-significance assessments for this variant to ClinVar. Based on the evidence outlined above, the variant was classified as pathogenic.

NM_020771.4(HACE1):c.859C>T (p.Gln287Ter)

Gene: HACE1 (HECT domain and ankyrin repeat containing E3 ubiquitin protein ligase 1; minus strand). Cytogenetic location: 6q16.3.
Variant type: single nucleotide variant.
Coding change: c.859C>T on transcript NM_020771.4 (MANE Select); coding-DNA position 859, C replaced by T.
Protein change: p.Gln287Ter; replaces glutamine 287 with a stop codon.
Molecular consequence: nonsense. On other transcripts: non-coding transcript variant (7).
Genome position (GRCh38, 1-based): chr6:104,795,643, G>A on the plus strand (C>T on the coding strand, the complement: HACE1 is on the minus strand). VCF-style: chr6-104795643-G-A. GRCh37 (hg19) VCF-style: chr6-105243518-G-A.
Other names: c.727C>T, p.Gln243Ter (NM_001321080.2); c.757C>T, p.Gln253Ter (NM_001321083.2); c.355C>T, p.Gln119Ter (NM_001321084.2, NM_001350557.2, NM_001350558.2); c.625C>T, p.Gln209Ter (NM_001350554.2); c.568C>T, p.Gln190Ter (NM_001350555.2); c.373C>T, p.Gln125Ter (NM_001350556.2); c.277C>T, p.Gln93Ter (NM_001350559.2); c.76C>T, p.Gln26Ter (NM_001350560.2); short protein forms Q119*, Q125*, Q190*, Q209*, Q243*, Q253*, Q26*, Q287*.
Identifiers: ClinVar variation 3068745 (VCV003068745.2), dbSNP rs2483372241, ClinGen allele CA365138116.